The following is an entry in ClinVar:

NC_000013.10:g.(?_32889617)_(32900770_?)del

Gene: BRCA2 (BRCA2 DNA repair associated; plus strand). Cytogenetic location: 13q13.1.
Variant type: Deletion.
Identifiers: ClinVar variation 1428711 (VCV001428711.6).

ClinVar aggregate classification (germline): Pathogenic (1 of 4 stars; one submission).

Conditions:
Hereditary breast ovarian cancer syndrome. Also called: Hereditary breast and ovarian cancer syndrome; Hereditary breast and/or ovarian cancer syndrome; Hereditary breast and ovarian cancer; Breast and ovarian cancer; Hereditary breast and ovarian cancer syndrome (HBOC); BRCA1- and BRCA2-Associated Hereditary Breast and Ovarian Cancer. Identifiers: Orphanet 145, MedGen C0677776, MeSH D061325, MONDO:0003582. Disease mechanism: loss of function.

Submission:

Labcorp Genetics (formerly Invitae), Labcorp
Classification: Pathogenic for Hereditary breast ovarian cancer syndrome. Last evaluated: 2021-08-05. Review status: criteria provided, single submitter. Criteria: Invitae Variant Classification Sherloc (09022015). Collection method: clinical testing. Allele origin: germline.
Comment: This variant has not been reported in the literature in individuals affected with BRCA2-related conditions. This variant is a gross deletion of the genomic region encompassing exon(s) 1-7 of the BRCA2 gene, which includes the initiator codon. The 5' end of this event is unknown as it extends beyond the assayed region for this gene and therefore may encompass additional genes. The 3' boundary is likely confined to intron 7 of the BRCA2 gene. It is expected to result in an absent or disrupted protein product. Loss-of-function variants in BRCA2 are known to be pathogenic (PMID: 20104584). For these reasons, this variant has been classified as Pathogenic.

Literature cited by the submitters: PubMed 20104584.